The following is an entry in ClinVar:

ClinVar aggregate classification (germline): Uncertain significance. Review status: criteria provided, multiple submitters, no conflicts (2 of 4 stars). 4 submissions from 4 submitters: Uncertain significance (4). Last evaluated 2025-08-06.

Conditions:
Idiopathic generalized epilepsy. Also called: EIG; Generalised epilepsy. Identifiers: MedGen C0270850, MONDO:0005579, OMIM 600669.
Hyperaldosteronism, familial, type IV (HALD4). Also called: FH IV; ALDOSTERONISM, PRIMARY, AND HYPERTENSION. Identifiers: Orphanet 642671, MedGen C4310756, MONDO:0014875, OMIM 617027.
Epilepsy, childhood absence, susceptibility to, 6. Identifiers: Orphanet 64280, MedGen C2749872, MONDO:0012763, OMIM 611942.

Allele frequency attached by ClinVar (database versions not stated): gnomAD exomes 0.00001; gnomAD 0.00004 and 0.00005; 1000 Genomes Project 30x 0.00016.
gnomAD v4.1: 20 of 1,552,352 alleles (0.0013%); highest among the groups gnomAD compares: Admixed American, 0.016%; no homozygotes.

Submissions (4):

Labcorp Genetics (formerly Invitae), Labcorp
Classification: Uncertain significance for Idiopathic generalized epilepsy; Hyperaldosteronism, familial, type IV. Last evaluated: 2025-08-06. Review status: criteria provided, single submitter. Criteria: Invitae Variant Classification Sherloc (09022015). Collection method: clinical testing. Allele origin: germline.
Comment: This sequence change replaces alanine, which is neutral and non-polar, with threonine, which is neutral and polar, at codon 138 of the CACNA1H protein (p.Ala138Thr). This variant is not present in population databases (gnomAD no frequency). This variant has not been reported in the literature in individuals affected with CACNA1H-related conditions. ClinVar contains an entry for this variant (Variation ID: 1050998). An algorithm developed to predict the effect of missense changes on protein structure and function (PolyPhen-2) suggests that this variant is likely to be disruptive. In summary, the available evidence is currently insufficient to determine the role of this variant in disease. Therefore, it has been classified as a Variant of Uncertain Significance.

Fulgent Genetics
Classification: Uncertain significance for Epilepsy, childhood absence, susceptibility to, 6; Hyperaldosteronism, familial, type IV. Last evaluated: 2024-06-24. Review status: criteria provided, single submitter. Criteria: ACMG Guidelines, 2015. Collection method: clinical testing. Allele origin: germline.

New York Genome Center
Classification: Uncertain significance for Epilepsy, childhood absence, susceptibility to, 6. Last evaluated: 2021-03-05. Review status: criteria provided, single submitter. Criteria: NYGC Assertion Criteria 2020. Collection method: clinical testing. Allele origin: inherited. Observed: 1 heterozygote. Study: CSER-NYCKidSeq.

GeneDx
Classification: Uncertain significance. Last evaluated: 2019-11-11. Review status: criteria provided, single submitter. Criteria: GeneDx Variant Classification Process June 2021. Collection method: clinical testing. Allele origin: germline. Affected: yes.
Comment: In silico analysis, which includes protein predictors and evolutionary conservation, supports that this variant does not alter protein structure/function; Has not been previously published as pathogenic or benign to our knowledge

NM_021098.3(CACNA1H):c.412G>A (p.Ala138Thr)

Gene: CACNA1H (calcium voltage-gated channel subunit alpha1 H; plus strand). Cytogenetic location: 16p13.3.
Variant type: single nucleotide variant.
Coding change: c.412G>A on transcript NM_021098.3 (MANE Select); coding-DNA position 412, G replaced by A.
Protein change: p.Ala138Thr; replaces alanine 138 with threonine.
Molecular consequence: missense variant.
Genome position (GRCh38, 1-based): chr16:1,195,432, G>A. VCF-style: chr16-1195432-G-A. GRCh37 (hg19) VCF-style: chr16-1245432-G-A.
Other names: c.412G>A, p.Ala138Thr (NM_001005407.2); short protein forms A138T.
Identifiers: ClinVar variation 1050998 (VCV001050998.12), dbSNP rs931243903, ClinGen allele CA276636216.